The following is an entry in ClinVar:

ClinVar aggregate classification (germline): Benign/Likely benign. Review status: criteria provided, multiple submitters, no conflicts (2 of 4 stars). 3 submissions from 3 submitters: Benign (1); Likely benign (1). 1 of the submissions does not count toward it. Last evaluated 2025-06-01.

Conditions:
RNASEL-related disorder. Also called: RNASEL-related condition.

Allele frequency attached by ClinVar (database versions not stated): 1000 Genomes Project 0.00220; 1000 Genomes Project 30x 0.00265; TOPMed 0.00351; ESP Exome Variant Server 0.00507; gnomAD exomes 0.00428; ExAC 0.00450.
gnomAD v4.1: 8,675 of 1,614,176 alleles (0.54%); highest among the groups gnomAD compares: Non-Finnish European, 0.61%; 23 homozygotes.

Submissions (3):

CeGaT Center for Human Genetics Tuebingen
Classification: Likely benign. Last evaluated: 2025-06-01. Review status: criteria provided, single submitter. Criteria: CeGaT Center For Human Genetics Tuebingen Variant Classification Criteria Version 2. Collection method: clinical testing. Allele origin: germline. Affected: yes. Observed: 1 variant allele.
Comment: RNASEL: BP4, BP7, BS2

Labcorp Genetics (formerly Invitae), Labcorp
Classification: Benign. Last evaluated: 2018-05-21. Review status: criteria provided, single submitter. Criteria: Invitae Variant Classification Sherloc (09022015). Collection method: clinical testing. Allele origin: germline.

PreventionGenetics, part of Exact Sciences
Classification: Benign for RNASEL-related condition. Last evaluated: 2019-06-11. Review status: no assertion criteria provided. Collection method: clinical testing. Allele origin: germline. Not counted in ClinVar's aggregate classification.
Comment: This variant is classified as benign based on ACMG/AMP sequence variant interpretation guidelines (Richards et al. 2015 PMID: 25741868, with internal and published modifications).

NM_021133.4(RNASEL):c.1179G>A (p.Thr393=)

Gene: RNASEL (ribonuclease L; minus strand). Cytogenetic location: 1q25.3.
Variant type: single nucleotide variant.
Coding change: c.1179G>A on transcript NM_021133.4 (MANE Select); coding-DNA position 1179, G replaced by A.
Protein change: p.Thr393=; no amino-acid change (threonine 393 retained).
Molecular consequence: synonymous variant.
Genome position (GRCh38, 1-based): chr1:182,585,628, C>T on the plus strand (G>A on the coding strand, the complement: RNASEL is on the minus strand). VCF-style: chr1-182585628-C-T. GRCh37 (hg19) VCF-style: chr1-182554763-C-T.
Identifiers: ClinVar variation 774801 (VCV000774801.28), dbSNP rs147141911, ClinGen allele CA1278140.